The following is an entry in ClinVar:

NM_206933.4(USH2A):c.3932C>T (p.Ser1311Leu)

Genes: USH2A (usherin; minus strand), USH2A-AS1 (USH2A antisense RNA 1; plus strand). Cytogenetic location: 1q41.
Variant type: single nucleotide variant.
Coding change: c.3932C>T on transcript NM_206933.4 (MANE Select); coding-DNA position 3932, C replaced by T.
Protein change: p.Ser1311Leu; replaces serine 1311 with leucine.
Molecular consequence: missense variant.
Genome position (GRCh38, 1-based): chr1:216,198,464, G>A on the plus strand (C>T on the coding strand, the complement: USH2A is on the minus strand). VCF-style: chr1-216198464-G-A. GRCh37 (hg19) VCF-style: chr1-216371806-G-A.
Other names: c.3932C>T, p.Ser1311Leu (NM_007123.6); short protein forms S1311L.
Identifiers: ClinVar variation 2142592 (VCV002142592.2), dbSNP rs79279902, ClinGen allele CA37503849.

ClinVar aggregate classification (germline): Uncertain significance. Review status: criteria provided, multiple submitters, no conflicts (2 of 4 stars). 2 submissions from 2 submitters: Uncertain significance (2). Last evaluated 2022-08-16.

Allele frequency attached by ClinVar (database versions not stated): TOPMed 0.00002; gnomAD 0.00003.
gnomAD v4.1: 50 of 1,613,958 alleles (0.0031%); highest among the groups gnomAD compares: Middle Eastern, 0.016%; no homozygotes.

Submissions (2):

Labcorp Genetics (formerly Invitae), Labcorp
Classification: Uncertain significance. Last evaluated: 2022-08-16. Review status: criteria provided, single submitter. Criteria: Invitae Variant Classification Sherloc (09022015). Collection method: clinical testing. Allele origin: germline.
Comment: This sequence change replaces serine, which is neutral and polar, with leucine, which is neutral and non-polar, at codon 1311 of the USH2A protein (p.Ser1311Leu). This variant is present in population databases (rs79279902, gnomAD 0.003%). This variant has not been reported in the literature in individuals affected with USH2A-related conditions. Algorithms developed to predict the effect of missense changes on protein structure and function output the following: SIFT: "Deleterious"; PolyPhen-2: "Benign"; Align-GVGD: "Class C0". The leucine amino acid residue is found in multiple mammalian species, which suggests that this missense change does not adversely affect protein function. Algorithms developed to predict the effect of sequence changes on RNA splicing suggest that this variant may disrupt the consensus splice site. In summary, the available evidence is currently insufficient to determine the role of this variant in disease. Therefore, it has been classified as a Variant of Uncertain Significance.

Blueprint Genetics
Classification: Uncertain significance. Last evaluated: 2022-04-15. Review status: criteria provided, single submitter. Criteria: ACMG Guidelines, 2015. Collection method: clinical testing. Allele origin: germline.